The following is an entry in ClinVar:

ClinVar aggregate classification (germline): Uncertain significance (1 of 4 stars; one submission).

Allele frequency attached by ClinVar (database versions not stated): gnomAD exomes below 0.00001; TOPMed below 0.00001; ExAC 0.00001.
gnomAD v4.1: 4 of 1,605,844 alleles (0.00025%); highest among the groups gnomAD compares: South Asian, 0.0044%; no homozygotes.

Submission:

Labcorp Genetics (formerly Invitae), Labcorp
Classification: Uncertain significance. Last evaluated: 2024-05-22. Review status: criteria provided, single submitter. Criteria: Invitae Variant Classification Sherloc (09022015). Collection method: clinical testing. Allele origin: germline.
Comment: This sequence change falls in intron 4 of the ADGRA3 gene. It does not directly change the encoded amino acid sequence of the ADGRA3 protein. It affects a nucleotide within the consensus splice site. This variant is present in population databases (rs775796772, gnomAD 0.003%). This variant has not been reported in the literature in individuals affected with ADGRA3-related conditions. ClinVar contains an entry for this variant (Variation ID: 1427741). Variants that disrupt the consensus splice site are a relatively common cause of aberrant splicing (PMID: 17576681, 9536098). Algorithms developed to predict the effect of sequence changes on RNA splicing suggest that this variant is not likely to affect RNA splicing. In summary, the available evidence is currently insufficient to determine the role of this variant in disease. Therefore, it has been classified as a Variant of Uncertain Significance.

Literature cited by the submitters: PubMed 17576681; PubMed 9536098.

NM_145290.4(ADGRA3):c.473+6T>C

Gene: ADGRA3 (adhesion G protein-coupled receptor A3; minus strand). Cytogenetic location: 4p15.2.
Variant type: single nucleotide variant.
Coding change: c.473+6T>C on transcript NM_145290.4 (MANE Select); 6 bases into the intron after coding-DNA position 473, T replaced by C.
Molecular consequence: intron variant.
Genome position (GRCh38, 1-based): chr4:22,454,860, A>G on the plus strand (T>C on the coding strand, the complement: ADGRA3 is on the minus strand). VCF-style: chr4-22454860-A-G. GRCh37 (hg19) VCF-style: chr4-22456483-A-G.
Identifiers: ClinVar variation 1427741 (VCV001427741.6), dbSNP rs775796772, ClinGen allele CA2874253.